The following is an entry in ClinVar:

ClinVar aggregate classification (germline): Conflicting classifications of pathogenicity. Review status: criteria provided, conflicting classifications (1 of 4 stars). 2 submissions from 2 submitters: Uncertain significance (1); Likely benign (1). Last evaluated 2025-10-29.

Conditions:
Hereditary cancer-predisposing syndrome. Also called: Neoplastic Syndromes, Hereditary; Hereditary Cancer Syndrome; Hereditary neoplastic syndrome; Tumor predisposition. Identifiers: Orphanet 140162, MedGen C0027672, MeSH D009386, MONDO:0015356.
Oligodontia-cancer predisposition syndrome. Also called: TOOTH AGENESIS-COLORECTAL CANCER SYNDROME. Identifiers: Orphanet 300576, MedGen C1837750, MONDO:0012075, OMIM 608615. Disease mechanism: loss of function.

Allele frequency attached by ClinVar (database versions not stated): gnomAD exomes below 0.00001; ExAC 0.00001; gnomAD 0.00001.
gnomAD v4.1: 3 of 1,593,290 alleles (0.00019%); highest among the groups gnomAD compares: Admixed American, 0.0018%; no homozygotes.

Submissions (2):

Ambry Genetics
Classification: Likely benign for Hereditary cancer-predisposing syndrome. Last evaluated: 2025-10-29. Review status: criteria provided, single submitter. Criteria: Ambry Variant Classification Scheme 2023. Collection method: clinical testing. Allele origin: germline.

Labcorp Genetics (formerly Invitae), Labcorp
Classification: Uncertain significance for Oligodontia-cancer predisposition syndrome. Last evaluated: 2024-08-22. Review status: criteria provided, single submitter. Criteria: Invitae Variant Classification Sherloc (09022015). Collection method: clinical testing. Allele origin: germline.
Comment: This sequence change replaces histidine, which is basic and polar, with tyrosine, which is neutral and polar, at codon 473 of the AXIN2 protein (p.His473Tyr). The frequency data for this variant in the population databases is considered unreliable, as metrics indicate poor data quality at this position in the gnomAD database. This variant has not been reported in the literature in individuals affected with AXIN2-related conditions. ClinVar contains an entry for this variant (Variation ID: 2566127). An algorithm developed to predict the effect of missense changes on protein structure and function outputs the following: PolyPhen-2: "Benign". The tyrosine amino acid residue is found in multiple mammalian species, which suggests that this missense change does not adversely affect protein function. In summary, the available evidence is currently insufficient to determine the role of this variant in disease. Therefore, it has been classified as a Variant of Uncertain Significance.

NM_004655.4(AXIN2):c.1417C>T (p.His473Tyr)

Gene: AXIN2 (axin 2; minus strand). Cytogenetic location: 17q24.1.
Variant type: single nucleotide variant.
Coding change: c.1417C>T on transcript NM_004655.4 (MANE Select); coding-DNA position 1417, C replaced by T.
Protein change: p.His473Tyr; replaces histidine 473 with tyrosine.
Molecular consequence: missense variant.
Genome position (GRCh38, 1-based): chr17:65,537,619, G>A on the plus strand (C>T on the coding strand, the complement: AXIN2 is on the minus strand). VCF-style: chr17-65537619-G-A. GRCh37 (hg19) VCF-style: chr17-63533737-G-A.
Other names: c.1417C>T, p.His473Tyr (NM_001363813.1); short protein forms H473Y.
Identifiers: ClinVar variation 2566127 (VCV002566127.6), dbSNP rs777699064, ClinGen allele CA8718652.